The following is an entry in ClinVar:

NM_006908.5(RAC1):c.151G>A (p.Val51Met)

Gene: RAC1 (Rac family small GTPase 1; plus strand). Cytogenetic location: 7p22.1.
Variant type: single nucleotide variant.
Coding change: c.151G>A on transcript NM_006908.5 (MANE Select); coding-DNA position 151, G replaced by A.
Protein change: p.Val51Met; replaces valine 51 with methionine.
Molecular consequence: missense variant.
Genome position (GRCh38, 1-based): chr7:6,391,967, G>A. VCF-style: chr7-6391967-G-A. GRCh37 (hg19) VCF-style: chr7-6431598-G-A.
Other names: c.151G>A, p.Val51Met (NM_018890.4); short protein forms V51M.
Identifiers: ClinVar variation 445284 (VCV000445284.9), dbSNP rs1554263625, ClinGen allele CA366760917.

ClinVar aggregate classification (germline): Pathogenic/Likely pathogenic. Review status: criteria provided, multiple submitters, no conflicts (2 of 4 stars). 3 submissions from 3 submitters: Pathogenic (1); Likely pathogenic (1). 1 of the submissions does not count toward it. Last evaluated 2025-06-28.

Conditions:
Intellectual developmental disorder, autosomal dominant 48. Also called: MENTAL RETARDATION, AUTOSOMAL DOMINANT 48; Intellectual disability, autosomal dominant 48. Identifiers: Orphanet 500159, MedGen C4540321, MONDO:0030913, OMIM 617751.

Submissions (3):

GeneDx
Classification: Likely pathogenic. Last evaluated: 2025-06-28. Review status: criteria provided, single submitter. Criteria: GeneDx Variant Classification Process June 2021. Collection method: clinical testing. Allele origin: germline.
Comment: Not observed at significant frequency in large population cohorts (gnomAD); In silico analysis suggests that this missense variant does not alter protein structure/function; This variant is associated with the following publications: (PMID: 31785789, 35139179, 37059841, 37204479, 28886345, 35982159, 28135719, 33057194, 30696065, 34943902, 35851598, 39838818)

Genetic Services Laboratory, University of Chicago
Classification: Pathogenic. Last evaluated: 2018-11-21. Review status: criteria provided, single submitter. Criteria: ACMG Guidelines, 2015. Collection method: clinical testing. Allele origin: germline. Affected: yes.
Comment: DNA sequence analysis of the RAC1 gene demonstrated a sequence change, c.151G>A, in exon 3 that results in an amino acid change, p.Val51Met. This sequence change is absent from the gnomAD database. This pathogenic sequence change has previously been described in the de novo state in a patient with RAC1-related intellectual disability (PMID: 28886345). PMID: 28886345, also identified a patient with a different de novo variant affecting the same nucleotide, c.151G>C (p.Val51Leu). Both patients had intellectual disabilities and macrocephaly. Functional analysis of the p.Val51Met in fibroblasts showed inconclusive results regarding the functional effect of this variant (Reijnders et al., 2017). The p.Val51Met change affects a moderately conserved amino acid residue located in a domain of the RAC1 protein that is known to be functional. The p.Val51Met substitution appears to be deleterious using several in-silico pathogenicity prediction tools (SIFT, PolyPhen2, CADD, REVEL).

OMIM
Classification: Pathogenic for INTELLECTUAL DEVELOPMENTAL DISORDER, AUTOSOMAL DOMINANT 48. Last evaluated: 2023-03-28. Review status: no assertion criteria provided. Collection method: literature only. Allele origin: germline. Not counted in ClinVar's aggregate classification.

Literature cited by the submitters: PubMed 28886345 (cited by OMIM).